The following is an entry in ClinVar:

NM_152383.5(DIS3L2):c.2294G>A (p.Ser765Asn)

Gene: DIS3L2 (DIS3 like 3'-5' exoribonuclease 2; plus strand). Cytogenetic location: 2q37.1.
Variant type: single nucleotide variant.
Coding change: c.2294G>A on transcript NM_152383.5 (MANE Select); coding-DNA position 2294, G replaced by A.
Protein change: p.Ser765Asn; replaces serine 765 with asparagine.
Molecular consequence: missense variant. On other transcripts: non-coding transcript variant (2), intron variant (1).
Genome position (GRCh38, 1-based): chr2:232,334,635, G>A. VCF-style: chr2-232334635-G-A. GRCh37 (hg19) VCF-style: chr2-233199345-G-A.
Other names: c.1582-8710G>A (NM_001257281.2); short protein forms S765N.
Identifiers: ClinVar variation 864221 (VCV000864221.10), dbSNP rs1695881885, ClinGen allele CA350977909.
Genomic context (GRCh38, chr2:232,334,635, plus strand): 5'-TCGAGGAGCCCAGGGCAGTGCCAGGAGGTGCCATGGCTGCAGCACTGTCCCTGCAGGAGA[G>A]TGGCCCCCTGGAGTCAGAAGCCATGGTGATGGGCATCCTGAAGCAAGCCTTCGACGTGCT-3'
Protein context (NP_689596.4, residues 755-775): SLFFAVLVKE[Ser765Asn]GPLESEAMVM

ClinVar aggregate classification (germline): Uncertain significance (1 of 4 stars; one submission).

Conditions:
Perlman syndrome (PRLMNS). Identifiers: Orphanet 2849, MedGen C0796113, MONDO:0009965, OMIM 267000.

Allele frequency attached by ClinVar (database versions not stated): gnomAD exomes below 0.00001.
gnomAD v4.1: 2 of 1,607,576 alleles (0.00012%); highest among the groups gnomAD compares: Non-Finnish European, 0.00017%; no homozygotes.

Submission:

Labcorp Genetics (formerly Invitae), Labcorp
Classification: Uncertain significance for Perlman syndrome. Last evaluated: 2020-01-21. Review status: criteria provided, single submitter. Criteria: Invitae Variant Classification Sherloc (09022015). Collection method: clinical testing. Allele origin: germline.
Comment: In summary, the available evidence is currently insufficient to determine the role of this variant in disease. Therefore, it has been classified as a Variant of Uncertain Significance. Algorithms developed to predict the effect of missense changes on protein structure and function (SIFT, PolyPhen-2, Align-GVGD) all suggest that this variant is likely to be tolerated, but these predictions have not been confirmed by published functional studies and their clinical significance is uncertain. This variant has not been reported in the literature in individuals with DIS3L2-related conditions. This variant is not present in population databases (ExAC no frequency). This sequence change replaces serine with asparagine at codon 765 of the DIS3L2 protein (p.Ser765Asn). The serine residue is weakly conserved and there is a small physicochemical difference between serine and asparagine.